The following is an entry in ClinVar:

NM_001008537.3(NEXMIF):c.2723T>G (p.Ile908Arg)

Gene: NEXMIF (neurite extension and migration factor; minus strand). Cytogenetic location: Xq13.3.
Variant type: single nucleotide variant.
Coding change: c.2723T>G on transcript NM_001008537.3 (MANE Select); coding-DNA position 2723, T replaced by G.
Protein change: p.Ile908Arg; replaces isoleucine 908 with arginine.
Molecular consequence: missense variant.
Genome position (GRCh38, 1-based): chrX:74,741,834, A>C on the plus strand (T>G on the coding strand, the complement: NEXMIF is on the minus strand). VCF-style: chrX-74741834-A-C. GRCh37 (hg19) VCF-style: chrX-73961669-A-C.
Other names: short protein forms I908R.
Identifiers: ClinVar variation 658382 (VCV000658382.11), dbSNP rs773043102, ClinGen allele CA10455016.

ClinVar aggregate classification (germline): Uncertain significance. Review status: criteria provided, multiple submitters, no conflicts (2 of 4 stars). 2 submissions from 2 submitters: Uncertain significance (2). Last evaluated 2025-09-25.

Allele frequency attached by ClinVar (database versions not stated): ExAC 0.00001; gnomAD 0.00001; gnomAD exomes 0.00002 and 0.00004; TOPMed 0.00002.
gnomAD v4.1: 48 of 1,210,297 alleles (0.004%); highest among the groups gnomAD compares: Non-Finnish European, 0.0054%; no homozygotes.

Submissions (2):

Ambry Genetics
Classification: Uncertain significance. Last evaluated: 2025-09-25. Review status: criteria provided, single submitter. Criteria: Ambry Variant Classification Scheme 2023. Collection method: clinical testing. Allele origin: germline.

Labcorp Genetics (formerly Invitae), Labcorp
Classification: Uncertain significance. Last evaluated: 2020-03-18. Review status: criteria provided, single submitter. Criteria: Invitae Variant Classification Sherloc (09022015). Collection method: clinical testing. Allele origin: germline.
Comment: This sequence change replaces isoleucine with arginine at codon 908 of the KIAA2022 protein (p.Ile908Arg). The isoleucine residue is moderately conserved and there is a moderate physicochemical difference between isoleucine and arginine. This variant is present in population databases (rs773043102, ExAC 0.002%). This variant has not been reported in the literature in individuals with KIAA2022-related disease. Algorithms developed to predict the effect of missense changes on protein structure and function are either unavailable or do not agree on the potential impact of this missense change (SIFT: "Deleterious"; PolyPhen-2: "Benign"; Align-GVGD: "Class C0"). In summary, the available evidence is currently insufficient to determine the role of this variant in disease. Therefore, it has been classified as a Variant of Uncertain Significance.